The following is an entry in ClinVar:

ClinVar aggregate classification (germline): Uncertain significance. Review status: criteria provided, multiple submitters, no conflicts (2 of 4 stars). 2 submissions from 2 submitters: Uncertain significance (2). Last evaluated 2026-03-24.

Conditions:
Hereditary cancer-predisposing syndrome. Also called: Tumor predisposition; Hereditary neoplastic syndrome; Neoplastic Syndromes, Hereditary; Hereditary Cancer Syndrome. Identifiers: Orphanet 140162, MedGen C0027672, MeSH D009386, MONDO:0015356.
Gorlin syndrome. Also called: Nevoid Basal Cell Carcinoma Syndrome; Basal cell nevus syndrome. Identifiers: Orphanet 377, MedGen C0004779, MONDO:0007187.

Submissions (2):

Ambry Genetics
Classification: Uncertain significance for Hereditary cancer-predisposing syndrome. Last evaluated: 2026-03-24. Review status: criteria provided, single submitter. Criteria: Ambry Variant Classification Scheme 2023. Collection method: clinical testing. Allele origin: germline.
Comment: The p.E1324G variant (also known as c.3971A>G), located in coding exon 23 of the PTCH1 gene, results from an A to G substitution at nucleotide position 3971. The glutamic acid at codon 1324 is replaced by glycine, an amino acid with similar properties. This amino acid position is conserved. In addition, this alteration is predicted to be deleterious by in silico analysis. Based on the available evidence, the clinical significance of this variant remains unclear.

Labcorp Genetics (formerly Invitae), Labcorp
Classification: Uncertain significance for Gorlin syndrome. Last evaluated: 2023-03-10. Review status: criteria provided, single submitter. Criteria: Invitae Variant Classification Sherloc (09022015). Collection method: clinical testing. Allele origin: germline.
Comment: In summary, the available evidence is currently insufficient to determine the role of this variant in disease. Therefore, it has been classified as a Variant of Uncertain Significance. Advanced modeling of protein sequence and biophysical properties (such as structural, functional, and spatial information, amino acid conservation, physicochemical variation, residue mobility, and thermodynamic stability) performed at Invitae indicates that this missense variant is not expected to disrupt PTCH1 protein function. This variant has not been reported in the literature in individuals affected with PTCH1-related conditions. This variant is not present in population databases (gnomAD no frequency). This sequence change replaces glutamic acid, which is acidic and polar, with glycine, which is neutral and non-polar, at codon 1324 of the PTCH1 protein (p.Glu1324Gly).

NM_000264.5(PTCH1):c.3971A>G (p.Glu1324Gly)

Gene: PTCH1 (patched 1; minus strand). Cytogenetic location: 9q22.32.
Variant type: single nucleotide variant.
Coding change: c.3971A>G on transcript NM_000264.5 (MANE Select); coding-DNA position 3971, A replaced by G.
Protein change: p.Glu1324Gly; replaces glutamic acid 1324 with glycine.
Molecular consequence: missense variant. On other transcripts: non-coding transcript variant (1).
Genome position (GRCh38, 1-based): chr9:95,447,285, T>C on the plus strand (A>G on the coding strand, the complement: PTCH1 is on the minus strand). VCF-style: chr9-95447285-T-C. GRCh37 (hg19) VCF-style: chr9-98209567-T-C.
Other names: c.3773A>G, p.Glu1258Gly (NM_001083602.3); c.3968A>G, p.Glu1323Gly (NM_001083603.3); c.3518A>G, p.Glu1173Gly (NM_001083604.3, NM_001083605.3, NM_001083606.3 and 1 more transcripts); c.3815A>G, p.Glu1272Gly (NM_001354918.2); short protein forms E1173G, E1323G, E1324G, E1272G, E1258G.
Identifiers: ClinVar variation 2739757 (VCV002739757.4), dbSNP rs2136580402, ClinGen allele CA374110564.